The following is an entry in ClinVar:

NM_006073.4(TRDN):c.337A>T (p.Ile113Phe)

Gene: TRDN (triadin; minus strand). Cytogenetic location: 6q22.31.
Variant type: single nucleotide variant.
Coding change: c.337A>T on transcript NM_006073.4 (MANE Select); coding-DNA position 337, A replaced by T.
Protein change: p.Ile113Phe; replaces isoleucine 113 with phenylalanine.
Molecular consequence: missense variant.
Genome position (GRCh38, 1-based): chr6:123,548,508, T>A on the plus strand (A>T on the coding strand, the complement: TRDN is on the minus strand). VCF-style: chr6-123548508-T-A. GRCh37 (hg19) VCF-style: chr6-123869653-T-A.
Other names: c.337A>T, p.Ile113Phe (NM_001251987.2, NM_001256020.2, NM_001256021.2 and 2 more transcripts); short protein forms I113F.
Identifiers: ClinVar variation 4070754 (VCV004070754.1).

ClinVar aggregate classification (germline): Uncertain significance (1 of 4 stars; one submission).

Submission:

GeneDx
Classification: Uncertain significance. Last evaluated: 2025-01-16. Review status: criteria provided, single submitter. Criteria: GeneDx Variant Classification Process June 2021. Collection method: clinical testing. Allele origin: germline. Affected: yes.
Comment: Not observed at significant frequency in large population cohorts (gnomAD); In silico analysis supports that this missense variant has a deleterious effect on protein structure/function; Has not been previously published as pathogenic or benign to our knowledge